The following is an entry in ClinVar:

NM_182961.4(SYNE1):c.19886A>C (p.Lys6629Thr)

Gene: SYNE1 (spectrin repeat containing nuclear envelope protein 1; minus strand). Cytogenetic location: 6q25.2.
Variant type: single nucleotide variant.
Coding change: c.19886A>C on transcript NM_182961.4 (MANE Select); coding-DNA position 19886, A replaced by C.
Protein change: p.Lys6629Thr; replaces lysine 6629 with threonine.
Molecular consequence: missense variant.
Genome position (GRCh38, 1-based): chr6:152,242,247, T>G on the plus strand (A>C on the coding strand, the complement: SYNE1 is on the minus strand). VCF-style: chr6-152242247-T-G. GRCh37 (hg19) VCF-style: chr6-152563382-T-G.
Other names: c.19673A>C, p.Lys6558Thr (NM_033071.5); short protein forms K6558T, K6629T.
Identifiers: ClinVar variation 837435 (VCV000837435.9), dbSNP rs764885262, ClinGen allele CA4054560.
Genomic context (GRCh38, chr6:152,242,247, plus strand): 5'-AGAGCATGCTTTCCAATTACATTTTCTCTCTATCACTCTTTTTTGTTATGTACCTTATGT[T>G]TGTCAAGTAGTTGCTGGATTTCCTCTTTGGAAGACACGATGATTTTCTGGTCTCCTGCCA-3'
Protein context (NP_892006.3, residues 6619-6639): SKEEIQQLLD[Lys6629Thr]HKEYFQGLES

ClinVar aggregate classification (germline): Uncertain significance (1 of 4 stars; one submission).

Conditions:
Emery-Dreifuss muscular dystrophy 4, autosomal dominant (EDMD4). Also called: EMERY-DREIFUSS MUSCULAR DYSTROPHY 4 WITH VARIABLE FEATURES. Identifiers: Orphanet 261, MedGen C2751807, MONDO:0013071, OMIM 612998.
Autosomal recessive ataxia, Beauce type. Also called: Spinocerebellar ataxia, autosomal recessive 8; ATAXIA, RECESSIVE, OF BEAUCE; SYNE1-Related Autosomal Recessive Cerebellar Ataxia; SYNE1 Deficiency. Identifiers: Orphanet 88644, MedGen C1853116, MONDO:0012549, OMIM 610743.

Allele frequency attached by ClinVar (database versions not stated): gnomAD exomes below 0.00001 and 0.00001; ExAC 0.00001; gnomAD 0.00001; TOPMed 0.00002.
gnomAD v4.1: 3 of 1,613,862 alleles (0.00019%); highest among the groups gnomAD compares: Admixed American, 0.005%; no homozygotes.

Submission:

Labcorp Genetics (formerly Invitae), Labcorp
Classification: Uncertain significance for Emery-Dreifuss muscular dystrophy 4, autosomal dominant; Autosomal recessive ataxia, Beauce type. Last evaluated: 2024-10-16. Review status: criteria provided, single submitter. Criteria: Invitae Variant Classification Sherloc (09022015). Collection method: clinical testing. Allele origin: germline.
Comment: This sequence change replaces lysine, which is basic and polar, with threonine, which is neutral and polar, at codon 6558 of the SYNE1 protein (p.Lys6558Thr). This variant is present in population databases (rs764885262, gnomAD 0.006%). This variant has not been reported in the literature in individuals affected with SYNE1-related conditions. ClinVar contains an entry for this variant (Variation ID: 837435). An algorithm developed to predict the effect of missense changes on protein structure and function (PolyPhen-2) suggests that this variant is likely to be disruptive. In summary, the available evidence is currently insufficient to determine the role of this variant in disease. Therefore, it has been classified as a Variant of Uncertain Significance.